The following is an entry in ClinVar:

NM_006846.4(SPINK5):c.2243A>G (p.Glu748Gly)

Gene: SPINK5 (serine peptidase inhibitor Kazal type 5; plus strand). Cytogenetic location: 5q32.
Variant type: single nucleotide variant.
Coding change: c.2243A>G on transcript NM_006846.4 (MANE Select); coding-DNA position 2243, A replaced by G.
Protein change: p.Glu748Gly; replaces glutamic acid 748 with glycine.
Molecular consequence: missense variant.
Genome position (GRCh38, 1-based): chr5:148,118,988, A>G. VCF-style: chr5-148118988-A-G. GRCh37 (hg19) VCF-style: chr5-147498551-A-G.
Other names: c.2243A>G, p.Glu748Gly (NM_001127698.2, NM_001127699.2); short protein forms E748G.
Identifiers: ClinVar variation 449103 (VCV000449103.50), dbSNP rs181639116, ClinGen allele CA3495925.
Genomic context (GRCh38, chr5:148,118,988, plus strand): 5'-GCATAATCCAGGGTCAATATTTGTTAACAAGATGAATATTCACTTTTTTCTCCTCCAGGG[A>G]AAGAGAAGCAGAGAGAAAAAATGAGTATTCTCGCTCCAGATCAAATGGGACTGGATCAGA-3'
Protein context (NP_006837.2, residues 738-758): NQCTMCKAKL[Glu748Gly]REAERKNEYS

ClinVar aggregate classification (germline): Conflicting classifications of pathogenicity. Review status: criteria provided, conflicting classifications (1 of 4 stars). 13 submissions from 13 submitters: Uncertain significance (2); Benign (1); Likely benign (7). 3 of the submissions do not count toward it. Last evaluated 2026-08-27.

Conditions:
SPINK5-related disorder. Also called: SPINK5-related condition.
Ichthyosis linearis circumflexa. Identifiers: MedGen C0265962, MONDO:0043106, HP:0025810.
Susceptibility to nonsyndromic otitis media.
Netherton syndrome (NETH). Also called: NETHERTON DISEASE; ERYTHRODERMA, ICHTHYOSIFORM, WITH HYPOTRICHOSIS AND HYPER-IgE; COMEL-NETHERTON SYNDROME. Identifiers: Orphanet 634, MedGen C5574950, MONDO:0009735, OMIM 256500.

Allele frequency attached by ClinVar (database versions not stated): 1000 Genomes Project 30x 0.00187; 1000 Genomes Project 0.00220; gnomAD exomes 0.00292 and 0.00418; TOPMed 0.00295; gnomAD 0.00297 and 0.00298; ExAC 0.00314; ESP Exome Variant Server 0.00403.
gnomAD v4.1: 6,518 of 1,613,870 alleles (0.4%); highest among the groups gnomAD compares: Non-Finnish European, 0.49%; 14 homozygotes.

Submissions (13):

PreventionGenetics, part of Exact Sciences
Classification: Likely benign for SPINK5-related condition. Last evaluated: 2026-08-27. Review status: criteria provided, single submitter. Criteria: ACMG Guidelines, 2015. Collection method: clinical testing. Allele origin: germline.
Comment: This variant is classified as likely benign based on ACMG/AMP sequence variant interpretation guidelines (Richards et al. 2015 PMID: 25741868, with internal and published modifications).

Women's Health and Genetics/Laboratory Corporation of America, LabCorp
Classification: Likely benign. Last evaluated: 2026-04-09. Review status: criteria provided, single submitter. Criteria: LabCorp Variant Classification Summary - May 2015. Collection method: clinical testing. Allele origin: germline.
Comment: Variant summary: SPINK5 c.2243A>G (p.Glu748Gly) results in a non-conservative amino acid change in the encoded protein sequence near a canonical spice site. Algorithms developed to predict the effect of missense changes on protein structure and function are either unavailable or do not agree on the potential impact of this missense change. Consensus agreement among computation tools predict no significant impact on normal splicing. However, these predictions have yet to be confirmed by functional studies. The variant allele was found at a frequency of 0.0029 in 249924 control chromosomes (gnomAD v2, Fioretti_2024), predominantly at a frequency of 0.0045 within the Non-Finnish European subpopulation in the gnomAD database. The observed variant frequency within Non-Finnish European control individuals in the gnomAD database exceeds the estimated maximal expected allele frequency for disease-causing variants in SPINK5, providing supporting evidence for a benign role. c.2243A>G has been observed in individual(s) affected with otitis media or early-onset atopic dermatitis without second variant reported (e.g. Frank_2021, Perala_2023). These report(s) do not provide unequivocal conclusions about association of the variant with Netherton syndrome. To our knowledge, no experimental evidence demonstrating an impact on protein function has been reported. The following publications have been ascertained in the context of this evaluation (PMID: 38791074, 32709676, 37533579). ClinVar contains an entry for this variant (Variation ID: 449103). Based on the evidence outlined above, the variant was classified as likely benign.

Labcorp Genetics (formerly Invitae), Labcorp
Classification: Benign for Ichthyosis linearis circumflexa. Last evaluated: 2026-02-03. Review status: criteria provided, single submitter. Criteria: Invitae Variant Classification Sherloc (09022015). Collection method: clinical testing. Allele origin: germline.

CeGaT Center for Human Genetics Tuebingen
Classification: Likely benign. Last evaluated: 2025-12-01. Review status: criteria provided, single submitter. Criteria: CeGaT Center For Human Genetics Tuebingen Variant Classification Criteria Version 2. Collection method: clinical testing. Allele origin: germline. Affected: yes. Observed: 3 variant alleles.
Comment: SPINK5: BP4, BS2

Blueprint Genetics
Classification: Likely benign. Last evaluated: 2024-11-25. Review status: criteria provided, single submitter. Criteria: ACMG Guidelines, 2015. Collection method: clinical testing. Allele origin: germline.

Center for Genomics, Ann and Robert H. Lurie Children's Hospital of Chicago
Classification: Uncertain significance for Netherton syndrome. Last evaluated: 2021-03-30. Review status: criteria provided, single submitter. Criteria: ACMG Guidelines, 2015. Collection method: clinical testing. Allele origin: germline.
Comment: SPINK5 NM_006846.3 exon 24 p.Glu748Gly (c.2243A>G): This variant has not been reported in the literature but is present in 0.3% (123/35358) of Latino alleles, including 1 homozygote in the Genome Aggregation Database. This variant is present in ClinVar (Variation ID:449103). Evolutionary conservation and computational predictive tools suggest that this variant may not impact the protein. In summary, data on this variant is insufficient for disease classification. Therefore, the clinical significance of this variant is uncertain.

GeneDx
Classification: Uncertain significance. Last evaluated: 2017-08-29. Review status: criteria provided, single submitter. Criteria: GeneDx Variant Classification (06012015). Collection method: clinical testing. Allele origin: germline. Affected: yes.
Comment: The E748G variant has been observed as heterozygous with no other SPINK5 variants in a single patient; the patient was published in a meeting abstract (Kumar, et al., 2009). The variant is observed in 304/66700 (0.456%) alleles from individuals of European background in the ExAC dataset, including two homozygotes (Lek et al., 2016). E748G is a non-conservative amino acid substitution, which is likely to impact secondary protein structure as these residues differ in polarity, charge, size and/or other properties. However, this substitution occurs at a position that is not conserved. In silico analysis is inconsistent in its predictions as to whether or not the variant is damaging to the protein structure/function. In summary, based on the currently available information, it is unclear whether this variant is a pathogenic variant or a rare benign variant.

Illumina Laboratory Services, Illumina
Classification: Likely benign for Netherton syndrome. Last evaluated: 2017-04-27. Review status: criteria provided, single submitter. Criteria: ICSL Variant Classification Criteria 13 December 2019. Collection method: clinical testing. Allele origin: germline.
Comment: This variant was observed as part of a predisposition screen in an ostensibly healthy population. A literature search was performed for the gene, cDNA change, and amino acid change (where applicable). No publications were found based on this search. Allele frequency data from public databases allowed determination this variant is unlikely to cause disease. Therefore, this variant is classified as likely benign.

Clinical Genetics DNA and cytogenetics Diagnostics Lab, Erasmus MC, Erasmus Medical Center
Classification: Likely benign for Netherton syndrome. Last evaluated: 2016-07-27. Review status: criteria provided, single submitter. Criteria: ACGS Guidelines, 2013. Collection method: clinical testing. Allele origin: germline. Affected: yes. Study: VKGL Data-share Consensus.

Genome Diagnostics Laboratory, University Medical Center Utrecht
Classification: Likely benign for Netherton syndrome. Last evaluated: 2014-10-09. Review status: criteria provided, single submitter. Criteria: ACGS Guidelines, 2013. Collection method: clinical testing. Allele origin: germline. Affected: yes. Study: VKGL Data-share Consensus.

Santos-Cortez Lab, University of Colorado School of Medicine
Classification: Uncertain significance for Susceptibility to nonsyndromic otitis media. Last evaluated: 2020-04-18. Review status: no assertion criteria provided. Collection method: research. Allele origin: germline. Affected: yes. Not counted in ClinVar's aggregate classification.

Diagnostic Laboratory, Department of Genetics, University Medical Center Groningen
Classification: Likely benign for Netherton syndrome. Review status: no assertion criteria provided. Collection method: clinical testing. Allele origin: germline. Affected: yes. Study: VKGL Data-share Consensus. Not counted in ClinVar's aggregate classification.

Laboratory of Diagnostic Genome Analysis, Leiden University Medical Center (LUMC)
Classification: Likely benign. Review status: no assertion criteria provided. Collection method: clinical testing. Allele origin: germline. Affected: yes. Study: VKGL Data-share Consensus. Not counted in ClinVar's aggregate classification.

Literature cited by the submitters: PubMed 37533579 (cited by Women's Health and Genetics/Laboratory Corporation of America, LabCorp); PubMed 38791074 (cited by Women's Health and Genetics/Laboratory Corporation of America, LabCorp); PubMed 32709676 (cited by Women's Health and Genetics/Laboratory Corporation of America, LabCorp).